The following is an entry in ClinVar:

ClinVar aggregate classification (germline): Pathogenic (1 of 4 stars; one submission).

Conditions:
Hypertrophic cardiomyopathy. Also called: HYPERTROPHIC MYOCARDIOPATHY. Identifiers: Orphanet 217569, MedGen C0007194, MeSH D002312, MONDO:0005045, HP:0001639.

Submission:

Labcorp Genetics (formerly Invitae), Labcorp
Classification: Pathogenic for Hypertrophic cardiomyopathy. Last evaluated: 2018-12-31. Review status: criteria provided, single submitter. Criteria: Invitae Variant Classification Sherloc (09022015). Collection method: clinical testing. Allele origin: germline.
Comment: For these reasons, this variant has been classified as Pathogenic. Loss-of-function variants in MYBPC3 are known to be pathogenic (PMID: 19574547). This variant has not been reported in the literature in individuals with MYBPC3-related conditions. This variant is not present in population databases (ExAC no frequency). This sequence change creates a premature translational stop signal (p.Ile172Asnfs*69) in the MYBPC3 gene. It is expected to result in an absent or disrupted protein product.

Literature cited by the submitters: PubMed 19574547.

NM_000256.3(MYBPC3):c.514dup (p.Ile172fs)

Gene: MYBPC3 (myosin binding protein C3; minus strand). Cytogenetic location: 11p11.2.
Variant type: Duplication.
Coding change: c.514dup on transcript NM_000256.3 (MANE Select); coding-DNA position 514, one base duplicated (A; older notation c.514dupA).
Protein change: p.Ile172fs; shifts the reading frame from isoleucine 172.
Molecular consequence: frameshift variant.
Genome position (GRCh38, 1-based): chr11:47,349,914, T duplicated on the plus strand (A on the coding strand, the reverse complement: MYBPC3 is on the minus strand). VCF-style (leftmost placement, unchanged base first): chr11-47349913-A-AT. GRCh37 (hg19) VCF-style: chr11-47371464-A-AT.
Other names: short protein forms I172fs.
Identifiers: ClinVar variation 1070193 (VCV001070193.7), dbSNP rs2142867855, ClinGen allele CA2499220990.